The following is an entry in ClinVar:

NM_144563.3(RPIA):c.679C>T (p.Arg227Ter)

Gene: RPIA (ribose 5-phosphate isomerase A; plus strand). Cytogenetic location: 2p11.2.
Variant type: single nucleotide variant.
Coding change: c.679C>T on transcript NM_144563.3 (MANE Select); coding-DNA position 679, C replaced by T.
Protein change: p.Arg227Ter; replaces arginine 227 with a stop codon.
Molecular consequence: nonsense.
Genome position (GRCh38, 1-based): chr2:88,736,617, C>T. VCF-style: chr2-88736617-C-T. GRCh37 (hg19) VCF-style: chr2-89036134-C-T.
Other names: short protein forms R227*.
Identifiers: ClinVar variation 2682322 (VCV002682322.1), dbSNP rs1673318855, ClinGen allele CA347589050.

ClinVar aggregate classification (germline): Pathogenic (1 of 4 stars; one submission).

Conditions:
Deficiency of ribose-5-phosphate isomerase. Also called: Ribose-5-P isomerase deficiency. Identifiers: Orphanet 440706, MedGen C1291609, MONDO:0012073, OMIM 608611.

Allele frequency attached by ClinVar (database versions not stated): gnomAD exomes below 0.00001; gnomAD 0.00001; TOPMed 0.00001.

Submission:

Women's Health and Genetics/Laboratory Corporation of America, LabCorp
Classification: Pathogenic for Deficiency of ribose-5-phosphate isomerase. Last evaluated: 2023-11-03. Review status: criteria provided, single submitter. Criteria: LabCorp Variant Classification Summary - May 2015. Collection method: clinical testing. Allele origin: germline.
Comment: Variant summary: RPIA c.679C>T (p.Arg227X) results in a premature termination codon, predicted to cause absence of the protein due to nonsense mediated decay, which Is a commonly known mechanism for disease. The variant was absent in 249554 control chromosomes (gnomAD). To our knowledge, no occurrence of c.679C>T in individuals affected with Ribose 5-Phosphate Isomerase Deficiency and no experimental evidence demonstrating its impact on protein function have been reported. No submitters have cited clinical-significance assessments for this variant to ClinVar after 2014. Based on the evidence outlined above, the variant was classified as pathogenic.